The following is an entry in ClinVar:

ClinVar aggregate classification (germline): Uncertain significance (1 of 4 stars; one submission).

Allele frequency attached by ClinVar (database versions not stated): gnomAD exomes below 0.00001.
gnomAD v4.1: 2 of 1,601,088 alleles (0.00012%); highest among the groups gnomAD compares: Non-Finnish European, 0.00017%; no homozygotes.

Submission:

Labcorp Genetics (formerly Invitae), Labcorp
Classification: Uncertain significance. Last evaluated: 2022-09-26. Review status: criteria provided, single submitter. Criteria: Invitae Variant Classification Sherloc (09022015). Collection method: clinical testing. Allele origin: germline.
Comment: This sequence change replaces alanine, which is neutral and non-polar, with aspartic acid, which is acidic and polar, at codon 26 of the SI protein (p.Ala26Asp). In summary, the available evidence is currently insufficient to determine the role of this variant in disease. Therefore, it has been classified as a Variant of Uncertain Significance. Advanced modeling of protein sequence and biophysical properties (such as structural, functional, and spatial information, amino acid conservation, physicochemical variation, residue mobility, and thermodynamic stability) has been performed at Invitae for this missense variant, however the output from this modeling did not meet the statistical confidence thresholds required to predict the impact of this variant on SI protein function. ClinVar contains an entry for this variant (Variation ID: 1373909). This variant has not been reported in the literature in individuals affected with SI-related conditions. This variant is present in population databases (no rsID available, gnomAD 0.0009%).

NM_001041.4(SI):c.77C>A (p.Ala26Asp)

Gene: SI (sucrase-isomaltase; minus strand). Cytogenetic location: 3q26.1.
Variant type: single nucleotide variant.
Coding change: c.77C>A on transcript NM_001041.4 (MANE Select); coding-DNA position 77, C replaced by A.
Protein change: p.Ala26Asp; replaces alanine 26 with aspartic acid.
Molecular consequence: missense variant.
Genome position (GRCh38, 1-based): chr3:165,075,936, G>T on the plus strand (C>A on the coding strand, the complement: SI is on the minus strand). VCF-style: chr3-165075936-G-T. GRCh37 (hg19) VCF-style: chr3-164793724-G-T.
Other names: short protein forms A26D.
Identifiers: ClinVar variation 1373909 (VCV001373909.4), dbSNP rs1043151277, ClinGen allele CA86503674.
Genomic context (GRCh38, chr3:165,075,936, plus strand): 5'-CTTTTAATGTACTACTTACCATCAACAGCAGGTGTCTTAGTTGCTAAAACAACAATTAAG[G>T]CAATAGCTATTATAGTAACTATGACAAAAAGGACAATCAGAGAGATTTCCAATCCACTAA-3'
Protein context (NP_001032.2, residues 16-36): LFVIVTIIAI[Ala26Asp]LIVVLATKTP